The following is an entry in ClinVar:

ClinVar aggregate classification (germline): Likely benign (0 of 4 stars; one submission).

Conditions:
BBS9-related disorder. Also called: BBS9-related condition.

Submission:

PreventionGenetics, part of Exact Sciences
Classification: Likely benign for BBS9-related condition. Last evaluated: 2021-02-18. Review status: no assertion criteria provided. Collection method: clinical testing. Allele origin: germline.
Comment: This variant is classified as likely benign based on ACMG/AMP sequence variant interpretation guidelines (Richards et al. 2015 PMID: 25741868, with internal and published modifications).

NM_198428.3(BBS9):c.1693+4A>G

Gene: BBS9 (Bardet-Biedl syndrome 9; plus strand). Cytogenetic location: 7p14.3.
Variant type: single nucleotide variant.
Coding change: c.1693+4A>G on transcript NM_198428.3 (MANE Select); 4 bases into the intron after coding-DNA position 1693, A replaced by G.
Molecular consequence: intron variant.
Genome position (GRCh38, 1-based): chr7:33,357,999, A>G. VCF-style: chr7-33357999-A-G. GRCh37 (hg19) VCF-style: chr7-33397611-A-G.
Other names: c.1693+4A>G (NM_001348036.1, NM_001362679.1, NM_001348041.4 and 1 more transcripts); c.1420+4A>G (NM_001348038.3); c.1315+4A>G (NM_001348039.3); c.1678+4A>G (NM_001033605.2); c.1588+4A>G (NM_001033604.2); c.1573+4A>G (NM_014451.4, NM_001348040.3); c.1327+4A>G (NM_001348037.3, NM_001348045.3, NM_001348046.3); c.1558+4A>G (NM_001348042.3); and 1 more.
Identifiers: ClinVar variation 3358451 (VCV003358451.1).